The following is an entry in ClinVar:

ClinVar aggregate classification (germline): Uncertain significance (1 of 4 stars; one submission).

Submission:

Labcorp Genetics (formerly Invitae), Labcorp
Classification: Uncertain significance. Last evaluated: 2024-05-08. Review status: criteria provided, single submitter. Criteria: Invitae Variant Classification Sherloc (09022015). Collection method: clinical testing. Allele origin: germline.
Comment: This sequence change replaces proline, which is neutral and non-polar, with serine, which is neutral and polar, at codon 319 of the MAFB protein (p.Pro319Ser). This variant is not present in population databases (gnomAD no frequency). This variant has not been reported in the literature in individuals affected with MAFB-related conditions. ClinVar contains an entry for this variant (Variation ID: 1383577). Advanced modeling of protein sequence and biophysical properties (such as structural, functional, and spatial information, amino acid conservation, physicochemical variation, residue mobility, and thermodynamic stability) performed at Invitae indicates that this missense variant is not expected to disrupt MAFB protein function with a negative predictive value of 80%. In summary, the available evidence is currently insufficient to determine the role of this variant in disease. Therefore, it has been classified as a Variant of Uncertain Significance.

NM_005461.5(MAFB):c.955C>T (p.Pro319Ser)

Gene: MAFB (MAF bZIP transcription factor B; minus strand). Cytogenetic location: 20q12.
Variant type: single nucleotide variant.
Coding change: c.955C>T on transcript NM_005461.5 (MANE Select); coding-DNA position 955, C replaced by T.
Protein change: p.Pro319Ser; replaces proline 319 with serine.
Molecular consequence: missense variant.
Genome position (GRCh38, 1-based): chr20:40,687,896, G>A on the plus strand (C>T on the coding strand, the complement: MAFB is on the minus strand). VCF-style: chr20-40687896-G-A. GRCh37 (hg19) VCF-style: chr20-39316536-G-A.
Other names: short protein forms P319S.
Identifiers: ClinVar variation 1383577 (VCV001383577.6), dbSNP rs1046138444, ClinGen allele CA314859133.